The following is an entry in ClinVar:

NM_001933.5(DLST):c.14C>G (p.Ser5Cys)

Gene: DLST (dihydrolipoamide S-succinyltransferase; plus strand). Cytogenetic location: 14q24.3.
Variant type: single nucleotide variant.
Coding change: c.14C>G on transcript NM_001933.5 (MANE Select); coding-DNA position 14, C replaced by G.
Protein change: p.Ser5Cys; replaces serine 5 with cysteine.
Molecular consequence: missense variant. On other transcripts: non-coding transcript variant (2).
Genome position (GRCh38, 1-based): chr14:74,881,967, C>G. VCF-style: chr14-74881967-C-G. GRCh37 (hg19) VCF-style: chr14-75348670-C-G.
Other names: c.14C>G, p.Ser5Cys (NM_001244883.2); short protein forms S5C.
Identifiers: ClinVar variation 3634151 (VCV003634151.2).

ClinVar aggregate classification (germline): Uncertain significance (1 of 4 stars; one submission).

gnomAD v4.1: 27 of 1,569,182 alleles (0.0017%); highest among the groups gnomAD compares: Non-Finnish European, 0.0022%; no homozygotes.

Submission:

Labcorp Genetics (formerly Invitae), Labcorp
Classification: Uncertain significance. Last evaluated: 2024-06-12. Review status: criteria provided, single submitter. Criteria: Invitae Variant Classification Sherloc (09022015). Collection method: clinical testing. Allele origin: germline.
Comment: This sequence change replaces serine, which is neutral and polar, with cysteine, which is neutral and slightly polar, at codon 5 of the DLST protein (p.Ser5Cys). This variant is present in population databases (rs377341812, gnomAD 0.003%). This variant has not been reported in the literature in individuals affected with DLST-related conditions. Experimental studies and prediction algorithms are not available or were not evaluated, and the functional significance of this variant is currently unknown. In summary, the available evidence is currently insufficient to determine the role of this variant in disease. Therefore, it has been classified as a Variant of Uncertain Significance.